The following is an entry in ClinVar:

ClinVar aggregate classification (germline): Uncertain significance (1 of 4 stars; one submission).

Conditions:
Cardiomyopathy (CMYO). Also called: Cardiomyopathies. Identifiers: Orphanet 167848, MedGen C0878544, MONDO:0004994, HP:0001638. Inheritance: Various modes of inheritance.

Submission:

Color Diagnostics, LLC DBA Color Health
Classification: Uncertain significance for Cardiomyopathy. Last evaluated: 2019-01-31. Review status: criteria provided, single submitter. Criteria: ACMG Guidelines, 2015. Collection method: clinical testing. Allele origin: germline.
Comment: Variant of Uncertain Significance due to insufficient evidence: This variant is located in the 5' untranslated region of MYL2 gene. Computational splicing tools suggest that this variant may not impact RNA splicing. To our knowledge, functional assays have not been performed for this variant nor has this variant been reported in individuals affected with cardiovascular disorders in the literature. This variant is rare in the general population and has been identified in 0/277264 chromosomes by the Genome Aggregation Database (gnomAD). Available evidence is insufficient to determine the role of this variant in disease conclusively.

NM_000432.4(MYL2):c.-12G>A

Genes: MYL2 (myosin light chain 2; minus strand), LOC114827850 (VISTA enhancer hs2149; plus strand). Cytogenetic location: 12q24.11.
Variant type: single nucleotide variant.
Coding change: c.-12G>A on transcript NM_000432.4 (MANE Select); 12 bases upstream of the start codon, G replaced by A.
Molecular consequence: 5 prime UTR variant.
Genome position (GRCh38, 1-based): chr12:110,920,541, C>T on the plus strand (G>A on the coding strand, the complement: MYL2 is on the minus strand). VCF-style: chr12-110920541-C-T. GRCh37 (hg19) VCF-style: chr12-111358345-C-T.
Identifiers: ClinVar variation 919323 (VCV000919323.3), dbSNP rs886048962, ClinGen allele CA913188526.